The following is an entry in ClinVar:

ClinVar aggregate classification (germline): Uncertain significance (1 of 4 stars; one submission).

Submission:

Labcorp Genetics (formerly Invitae), Labcorp
Classification: Uncertain significance. Last evaluated: 2021-12-15. Review status: criteria provided, single submitter. Criteria: Invitae Variant Classification Sherloc (09022015). Collection method: clinical testing. Allele origin: germline.
Comment: This sequence change replaces valine, which is neutral and non-polar, with aspartic acid, which is acidic and polar, at codon 481 of the NTRK2 protein (p.Val481Asp). This variant is not present in population databases (gnomAD no frequency). This variant has not been reported in the literature in individuals affected with NTRK2-related conditions. Algorithms developed to predict the effect of missense changes on protein structure and function are either unavailable or do not agree on the potential impact of this missense change (SIFT: "Deleterious"; PolyPhen-2: "Benign"; Align-GVGD: "Class C0"). Algorithms developed to predict the effect of sequence changes on RNA splicing suggest that this variant may create or strengthen a splice site. In summary, the available evidence is currently insufficient to determine the role of this variant in disease. Therefore, it has been classified as a Variant of Uncertain Significance.

NM_006180.6(NTRK2):c.1442T>A (p.Val481Asp)

Gene: NTRK2 (neurotrophic receptor tyrosine kinase 2; plus strand). Cytogenetic location: 9q21.33.
Variant type: single nucleotide variant.
Coding change: c.1442T>A on transcript NM_006180.6 (MANE Select); coding-DNA position 1442, T replaced by A.
Protein change: p.Val481Asp; replaces valine 481 with aspartic acid.
Molecular consequence: missense variant. On other transcripts: intron variant (7).
Genome position (GRCh38, 1-based): chr9:84,861,085, T>A. VCF-style: chr9-84861085-T-A. GRCh37 (hg19) VCF-style: chr9-87476000-T-A.
Other names: c.1442T>A, p.Val481Asp (NM_001018065.2, NM_001369537.1, NM_001381928.1); c.974T>A, p.Val325Asp (NM_001369536.1); c.1397-6158T>A (NM_001369532.1, NM_001369533.1, NM_001018066.3 and 2 more transcripts); c.1361-6158T>A (NM_001369534.1); c.929-6158T>A (NM_001369535.1); short protein forms V325D, V481D.
Identifiers: ClinVar variation 1991911 (VCV001991911.4), dbSNP rs2490206623, ClinGen allele CA374010539.